The following is an entry in ClinVar:

ClinVar aggregate classification (germline): Uncertain significance (1 of 4 stars; one submission).

Conditions:
Inborn genetic diseases. Identifiers: MedGen C0950123, MeSH D030342.

Allele frequency attached by ClinVar (database versions not stated): gnomAD exomes 0.00001; ExAC 0.00002.
gnomAD v4.1: 3 of 1,613,880 alleles (0.00019%); highest among the groups gnomAD compares: Non-Finnish European, 0.00025%; no homozygotes.

Submission:

Ambry Genetics
Classification: Uncertain significance for Inborn genetic diseases. Last evaluated: 2019-11-08. Review status: criteria provided, single submitter. Criteria: Ambry Variant Classification Scheme 2023. Collection method: clinical testing. Allele origin: germline.
Comment: The p.S867P variant (also known as c.2599T>C), located in coding exon 18 of the AARS gene, results from a T to C substitution at nucleotide position 2599. The serine at codon 867 is replaced by proline, an amino acid with similar properties. This amino acid position is highly conserved in available vertebrate species. In addition, this alteration is predicted to be deleterious by in silico analysis. Since supporting evidence is limited at this time, the clinical significance of this alteration remains unclear.

NM_001605.3(AARS1):c.2599T>C (p.Ser867Pro)

Gene: AARS1 (alanyl-tRNA synthetase 1; minus strand). Cytogenetic location: 16q22.1.
Variant type: single nucleotide variant.
Coding change: c.2599T>C on transcript NM_001605.3 (MANE Select); coding-DNA position 2599, T replaced by C.
Protein change: p.Ser867Pro; replaces serine 867 with proline.
Molecular consequence: missense variant.
Genome position (GRCh38, 1-based): chr16:70,253,722, A>G on the plus strand (T>C on the coding strand, the complement: AARS1 is on the minus strand). VCF-style: chr16-70253722-A-G. GRCh37 (hg19) VCF-style: chr16-70287625-A-G.
Other names: short protein forms S867P.
Identifiers: ClinVar variation 1800454 (VCV001800454.2), dbSNP rs765187006, ClinGen allele CA8140356.